The following is an entry in ClinVar:

ClinVar aggregate classification (germline): Pathogenic (1 of 4 stars; one submission).

Conditions:
Joubert syndrome. Also called: CEREBELLOPARENCHYMAL DISORDER IV; JOUBERT-BOLTSHAUSER SYNDROME; Familial aplasia of the vermis. Identifiers: Orphanet 475, MedGen C5979921, MONDO:0018772.

Submission:

Labcorp Genetics (formerly Invitae), Labcorp
Classification: Pathogenic for Joubert syndrome. Last evaluated: 2024-01-09. Review status: criteria provided, single submitter. Criteria: Invitae Variant Classification Sherloc (09022015). Collection method: clinical testing. Allele origin: germline.
Comment: This sequence change creates a premature translational stop signal (p.Ala1058Phefs*12) in the AHI1 gene. It is expected to result in an absent or disrupted protein product. Loss-of-function variants in AHI1 are known to be pathogenic (PMID: 15322546, 16453322, 28442542, 29186038). This variant is not present in population databases (gnomAD no frequency). This variant has not been reported in the literature in individuals affected with AHI1-related conditions. For these reasons, this variant has been classified as Pathogenic.

Literature cited by the submitters: PubMed 15322546; PubMed 16453322; PubMed 28442542; PubMed 29186038.

NM_001134831.2(AHI1):c.3171_3174del (p.Ala1058fs)

Gene: AHI1 (Abelson helper integration site 1; minus strand). Cytogenetic location: 6q23.3.
Variant type: Deletion.
Coding change: c.3171_3174del on transcript NM_001134831.2 (MANE Select); coding-DNA positions 3171 to 3174, 4 bases deleted (GGCT; older notation c.3171_3174delGGCT).
Protein change: p.Ala1058fs; shifts the reading frame from alanine 1058.
Molecular consequence: frameshift variant.
Genome position (GRCh38, 1-based): chr6:135,323,316-135,323,319, AGCC deleted on the plus strand (GGCT on the coding strand, the reverse complement: AHI1 is on the minus strand); deleting any 4 consecutive bases within chr6:135,323,316-135,323,320 gives the same sequence; the c. name uses the placement nearest the transcript's 3' end. VCF-style (leftmost placement, unchanged base first): chr6-135323315-GAGCC-G. GRCh37 (hg19) VCF-style: chr6-135644453-GAGCC-G.
Other names: c.3171_3174del, p.Ala1058fs (NM_001134830.2, NM_001350503.2, NM_001350504.2 and 1 more transcripts); short protein forms A1058fs.
Identifiers: ClinVar variation 2707191 (VCV002707191.3), dbSNP rs2483267924, ClinGen allele CA2697553745.